The following is an entry in ClinVar:

NM_000277.3(PAH):c.1314_1315+4del

Gene: PAH (phenylalanine hydroxylase; minus strand). Cytogenetic location: 12q23.2.
Variant type: Deletion.
Coding change: c.1314_1315+4del on transcript NM_000277.3 (MANE Select); coding-DNA position 1314 through 4 bases into the intron after coding-DNA position 1315, 6 bases deleted (CAGTAA; older notation c.1314_1315+4delCAGTAA).
Molecular consequence: splice donor variant.
Genome position (GRCh38, 1-based): chr12:102,840,396-102,840,401, TTACTG deleted on the plus strand (CAGTAA on the coding strand, the reverse complement: PAH is on the minus strand); deleting any 6 consecutive bases within chr12:102,840,396-102,840,404 gives the same sequence; the c. name uses the placement nearest the transcript's 3' end. VCF-style (leftmost placement, unchanged base first): chr12-102840395-CTTACTG-C. GRCh37 (hg19) VCF-style: chr12-103234173-CTTACTG-C.
Other names: c.1314_1315+4del (NM_001354304.2); c.1314_1315+4delCAGTAA (NM_000277.2).
Identifiers: ClinVar variation 555797 (VCV000555797.4), dbSNP rs1334974448, ClinGen allele CA16020994.
Genomic context (GRCh38, chr12:102,840,395, plus strand): 5'-GGTAGGGAAAGACAGTCTTCGATTACTGAGAAACCGAGTGGCCTCGTAAGGTGTAAATTA[CTTACTG>C]TTAATGGAATCAGCCAAAATCTTAAGCTGCTGGGTATTGTCCAAGACCTCAATCCTTTGG-3'

ClinVar aggregate classification (germline): Pathogenic. Review status: reviewed by expert panel (3 of 4 stars). 3 submissions from 3 submitters: Pathogenic (1). 2 of the submissions do not count toward it. Last evaluated 2020-05-21.

Conditions:
Phenylketonuria (PKU). Also called: OLIGOPHRENIA PHENYLPYRUVICA; Phenylketonurias; FOLLING DISEASE; Phenylketonuria (PKU). Identifiers: Orphanet 716, MedGen C0031485, MONDO:0009861, OMIM 261600. Disease mechanism: loss of function.

Submissions (3):

ClinGen PAH Variant Curation Expert Panel
Classification: Pathogenic for Phenylketonuria. Last evaluated: 2020-05-21. Review status: reviewed by expert panel. Criteria: ClinGen PAH ACMG Specifications v1. Collection method: curation. Allele origin: germline. Inheritance: Autosomal recessive inheritance.
Comment: The c.1314_1315+4del6 (p.N438fs) variant is a frameshift variant in exon 12 of 13 of a gene where LOF is a known mechanism of disease, leading to premature truncation and NMD (PVS1_Strong). Exon 13 encodes 15 amino acids + stop codon = 3.3% of PAH protein length. Along with Exon 12, Exon 13 forms the oligomerization domain (residues 411-452), which is responsible for the dimerization and tetramerization of the enzyme, important for regulation of PAH activity (e.g., positive cooperativity by the substrate, L-Phe, and decreasing PAH activity at low L-Phe concentration) (see PMID: 23457044; PMID: 22005392). Exon 13 contains the non-truncating Likely Pathogenic p.A447P (Likely Pathogenic by ClinGen PAH VCEP) and Pathogenic p.A447D variants (Likely Pathogenic by ClinGen PAH VCEP; Pathogenic in Clinvar (ID 102595; 4 submitters, 2 stars). Thus PVS1_Strong will be applied for variants resulting in deletion of this exon. The variant is absent from ethnically diverse control databases, including gnomAD/ExAC, 1000 Genomes, and ESP (PM2). It is listed in ClinVar (variant ID 555797) as Likely Pathogenic by one lab. It has been reported in the published literature in one case (PMID: 23514811) with abnormal blood Phe and BH4 deficiency formally excluded (PP4_Moderate); in trans with the p.R138Q variant (Pathogenic per PAH VCEP) (PM3). Classification: Pathogenic Supporting Criteria: PVS1_Strong; PM2; PM3; PP4_Moderate

Natera, Inc.
Classification: Likely pathogenic for Phenylketonuria. Last evaluated: 2025-02-11. Review status: criteria provided, single submitter. Criteria: Natera Variant Classification Schema (03/2026). Collection method: clinical testing. Allele origin: germline. Not counted in ClinVar's aggregate classification.
Comment: The c.1314_1315+4delCAGTAA variant in PAH is a deletion affecting a canonical splice donor site and part of an exon. This variant is expected to result in nonsense mediated decay, truncation, or a dysfunctional protein product. This variant is rare in the general population with a frequency below the threshold expected for the associated phenotype(s). This variant has been observed in one or more individuals affected with the associated recessive disease, as either homozygous or compound heterozygous with a second variant (PMID: 27121329). Given the available evidence, this variant is classified as Likely Pathogenic.

Counsyl
Classification: Likely pathogenic for Phenylketonuria. Last evaluated: 2017-12-21. Review status: no assertion criteria provided. Collection method: clinical testing. Allele origin: unknown. Not counted in ClinVar's aggregate classification.

Literature cited by the submitters: PubMed 27121329 (cited by Natera, Inc. and Counsyl).